The following is an entry in ClinVar:

NM_205836.3(FBXO38):c.2561G>A (p.Ser854Asn)

Gene: FBXO38 (F-box protein 38; plus strand). Cytogenetic location: 5q32.
Variant type: single nucleotide variant.
Coding change: c.2561G>A on transcript NM_205836.3 (MANE Select); coding-DNA position 2561, G replaced by A.
Protein change: p.Ser854Asn; replaces serine 854 with asparagine.
Molecular consequence: missense variant. On other transcripts: intron variant (2).
Genome position (GRCh38, 1-based): chr5:148,427,855, G>A. VCF-style: chr5-148427855-G-A. GRCh37 (hg19) VCF-style: chr5-147807418-G-A.
Other names: c.2428+133G>A (NM_030793.5); c.1918+2154G>A (NM_001271723.2); c.2561G>A (NM_205836.2); short protein forms S854N.
Identifiers: ClinVar variation 1793124 (VCV001793124.4), dbSNP rs200692647, ClinGen allele CA3497537.

ClinVar aggregate classification (germline): Likely benign. Review status: criteria provided, single submitter (1 of 4 stars). 2 submissions from 2 submitters: Likely benign (1). 1 of the submissions does not count toward it. Last evaluated 2020-12-02.

Conditions:
FBXO38-related disorder. Also called: FBXO38-related condition.

Allele frequency attached by ClinVar (database versions not stated): gnomAD exomes 0.00002; gnomAD 0.00007; ExAC 0.00008; TOPMed 0.00013; 1000 Genomes Project 30x 0.00016; 1000 Genomes Project 0.00020.
gnomAD v4.1: 94 of 1,591,992 alleles (0.0059%); highest among the groups gnomAD compares: East Asian, 0.033%; no homozygotes.

Submissions (2):

Ambry Genetics
Classification: Likely benign. Last evaluated: 2020-12-02. Review status: criteria provided, single submitter. Criteria: Ambry Variant Classification Scheme 2023. Collection method: clinical testing. Allele origin: germline.

PreventionGenetics, part of Exact Sciences
Classification: Likely benign for FBXO38-related condition. Last evaluated: 2019-12-06. Review status: no assertion criteria provided. Collection method: clinical testing. Allele origin: germline. Not counted in ClinVar's aggregate classification.
Comment: This variant is classified as likely benign based on ACMG/AMP sequence variant interpretation guidelines (Richards et al. 2015 PMID: 25741868, with internal and published modifications).